The following is an entry in ClinVar:

NM_002109.6(HARS1):c.90+4A>C

Genes: HARS1 (histidyl-tRNA synthetase 1; minus strand), HARS2 (histidyl-tRNA synthetase 2, mitochondrial; plus strand), LOC129994848 (ATAC-STARR-seq lymphoblastoid active region 23285; plus strand). Cytogenetic location: 5q31.3.
Variant type: single nucleotide variant.
Coding change: c.90+4A>C on transcript NM_002109.6 (MANE Select); 4 bases into the intron after coding-DNA position 90, A replaced by C.
Molecular consequence: intron variant.
Genome position (GRCh38, 1-based): chr5:140,691,211, T>G on the plus strand (A>C on the coding strand, the complement: HARS1 is on the minus strand). VCF-style: chr5-140691211-T-G. GRCh37 (hg19) VCF-style: chr5-140070796-T-G.
Other names: c.3+91A>C (NM_001289094.2); c.90+4A>C (NM_001289093.2, NM_001258042.3, NM_001258040.3 and 2 more transcripts).
Identifiers: ClinVar variation 965557 (VCV000965557.15), dbSNP rs776405841, ClinGen allele CA3444224.

ClinVar aggregate classification (germline): Uncertain significance. Review status: criteria provided, multiple submitters, no conflicts (2 of 4 stars). 6 submissions from 6 submitters: Uncertain significance (6). Last evaluated 2025-10-29.

Conditions:
HARS1-related disorder. Also called: HARS1-related condition.
Usher syndrome type 3B. Also called: USHER SYNDROME, TYPE IIIB. Identifiers: MedGen C3281066, MONDO:0013788, OMIM 614504.

Allele frequency attached by ClinVar (database versions not stated): gnomAD 0.00001; gnomAD exomes 0.00001; ExAC 0.00003; TOPMed 0.00004.
gnomAD v4.1: 27 of 1,596,224 alleles (0.0017%); highest among the groups gnomAD compares: Non-Finnish European, 0.002%; no homozygotes.

Submissions (6):

Labcorp Genetics (formerly Invitae), Labcorp
Classification: Uncertain significance for Usher syndrome type 3B. Last evaluated: 2025-10-29. Review status: criteria provided, single submitter. Criteria: Invitae Variant Classification Sherloc (09022015). Collection method: clinical testing. Allele origin: germline.
Comment: This sequence change falls in intron 1 of the HARS gene. It does not directly change the encoded amino acid sequence of the HARS protein. It affects a nucleotide within the consensus splice site. This variant is present in population databases (rs776405841, gnomAD 0.005%). This variant has been observed in individual(s) with HARS-related conditions (PMID: 38374194). ClinVar contains an entry for this variant (Variation ID: 965557). Variants that disrupt the consensus splice site are a relatively common cause of aberrant splicing (PMID: 17576681, 9536098). Algorithms developed to predict the effect of sequence changes on RNA splicing suggest that this variant may disrupt the consensus splice site. In summary, the available evidence is currently insufficient to determine the role of this variant in disease. Therefore, it has been classified as a Variant of Uncertain Significance.

PreventionGenetics, part of Exact Sciences
Classification: Uncertain significance for HARS1-related condition. Last evaluated: 2025-10-27. Review status: criteria provided, single submitter. Criteria: ACMG Guidelines, 2015. Collection method: clinical testing. Allele origin: germline.
Comment: The HARS1 c.90+4A>C variant is predicted to interfere with splicing. This variant is predicted to impact splicing by decreasing the strength of the canonical splice donor site (Alamut Visual Plus v1.6.1). This variant has been reported with a second HARS1 variant in a patient with peripheral neuropathy (Supp. Table 2, Abolhassani et al. 2024. PubMed ID: 38374194). This variant is reported in 0.0027% of alleles in individuals of European (non-Finnish) descent in gnomAD. At this time, the clinical significance of this variant is uncertain due to the absence of conclusive functional and genetic evidence.

GeneDx
Classification: Uncertain significance. Last evaluated: 2025-05-21. Review status: criteria provided, single submitter. Criteria: GeneDx Variant Classification Process June 2021. Collection method: clinical testing. Allele origin: germline. Affected: yes.
Comment: Reported in a patient with lower and upper limb neuropathy, difficulty walking, and abnormality of the cardiovascular system who also harbored a second HARS1 variant in unknown phase (PMID: 38374194); In silico analysis suggests this variant may impact gene splicing. In the absence of RNA/functional studies, the actual effect of this sequence change is unknown.; Reported using an alternate transcript of the gene; This variant is associated with the following publications: (PMID: 38374194)

Blueprint Genetics
Classification: Uncertain significance. Last evaluated: 2024-05-27. Review status: criteria provided, single submitter. Criteria: ACMG Guidelines, 2015. Collection method: clinical testing. Allele origin: germline.

Kariminejad - Najmabadi Pathology & Genetics Center
Classification: Uncertain significance. Last evaluated: 2016-11-16. Review status: criteria provided, single submitter. Criteria: ACMG Guidelines, 2015. Collection method: clinical testing. Allele origin: germline. Inheritance: Autosomal recessive inheritance. Affected: yes.
Comment: PM2

Breakthrough Genomics
Classification: Uncertain significance. Review status: criteria provided, single submitter. Criteria: ACMG Guidelines, 2015. Collection method: not provided. Allele origin: germline. Inheritance: Autosomal recessive inheritance. Affected: yes.

Literature cited by the submitters: PubMed 38374194 (cited by Labcorp Genetics (formerly Invitae), Labcorp); PubMed 17576681 (cited by Labcorp Genetics (formerly Invitae), Labcorp); PubMed 9536098 (cited by Labcorp Genetics (formerly Invitae), Labcorp).